The following is an entry in ClinVar:

NM_001457.4(FLNB):c.1868A>T (p.Asp623Val)

Gene: FLNB (filamin B; plus strand). Cytogenetic location: 3p14.3.
Variant type: single nucleotide variant.
Coding change: c.1868A>T on transcript NM_001457.4 (MANE Select); coding-DNA position 1868, A replaced by T.
Protein change: p.Asp623Val; replaces aspartic acid 623 with valine.
Molecular consequence: missense variant.
Genome position (GRCh38, 1-based): chr3:58,106,800, A>T. VCF-style: chr3-58106800-A-T. GRCh37 (hg19) VCF-style: chr3-58092527-A-T.
Other names: c.1868A>T, p.Asp623Val (NM_001164317.2, NM_001164318.2, NM_001164319.2); short protein forms D623V.
Identifiers: ClinVar variation 218523 (VCV000218523.16), dbSNP rs145314043, ClinGen allele CA249268.

ClinVar aggregate classification (germline): Conflicting classifications of pathogenicity. Review status: criteria provided, conflicting classifications (1 of 4 stars). 5 submissions from 5 submitters: Uncertain significance (3); Benign (1); Likely benign (1). Last evaluated 2026-09-10.

Conditions:
FLNB-Related Spectrum Disorders.

Allele frequency attached by ClinVar (database versions not stated): ESP Exome Variant Server 0.00008; gnomAD 0.00015 and 0.00016; gnomAD exomes 0.00015 and 0.00032; TOPMed 0.00015; ExAC 0.00026.
gnomAD v4.1: 257 of 1,613,984 alleles (0.016%); highest among the groups gnomAD compares: Non-Finnish European, 0.0027%; 1 homozygote.

Submissions (5):

GeneDx
Classification: Uncertain significance. Last evaluated: 2026-09-10. Review status: criteria provided, single submitter. Criteria: GeneDx Variant Classification Process June 2021. Collection method: clinical testing. Allele origin: germline.
Comment: Has not been previously published as pathogenic or benign to our knowledge; In silico analysis supports that this missense variant has a deleterious effect on protein structure/function

Labcorp Genetics (formerly Invitae), Labcorp
Classification: Benign. Last evaluated: 2025-12-01. Review status: criteria provided, single submitter. Criteria: Invitae Variant Classification Sherloc (09022015). Collection method: clinical testing. Allele origin: germline.

Blueprint Genetics
Classification: Likely benign. Last evaluated: 2024-08-30. Review status: criteria provided, single submitter. Criteria: ACMG Guidelines, 2015. Collection method: clinical testing. Allele origin: germline.

Illumina Laboratory Services, Illumina
Classification: Uncertain significance for FLNB-Related Spectrum Disorders. Last evaluated: 2018-01-13. Review status: criteria provided, single submitter. Criteria: ICSL Variant Classification Criteria 13 December 2019. Collection method: clinical testing. Allele origin: germline.

Genomic Diagnostic Laboratory, Division of Genomic Diagnostics, Children's Hospital of Philadelphia
Classification: Uncertain significance. Last evaluated: 2015-06-11. Review status: criteria provided, single submitter. Criteria: DGD Variant Analysis Guidelines. Collection method: clinical testing. Allele origin: unknown.